The following is an entry in ClinVar:

ClinVar aggregate classification (germline): Uncertain significance. Review status: reviewed by expert panel (3 of 4 stars). 2 submissions from 2 submitters: Uncertain significance (1). 1 of the submissions does not count toward it. Last evaluated 2024-03-08.

Conditions:
Severe combined immunodeficiency due to DCLRE1C deficiency (RS-SCID). Also called: SCID, AUTOSOMAL RECESSIVE, T CELL-NEGATIVE, B CELL-NEGATIVE, NK CELL-POSITIVE, WITH SENSITIVITY TO IONIZING RADIATION. Identifiers: Orphanet 275, MedGen C1865371, MONDO:0011225, OMIM 602450.

Allele frequency attached by ClinVar (database versions not stated): TOPMed 0.00003; gnomAD 0.00002.
gnomAD v4.1: 4 of 1,614,010 alleles (0.00025%); highest among the groups gnomAD compares: African/African-American, 0.0053%; no homozygotes.

Submissions (2):

ClinGen Severe Combined Immunodeficiency Variant Curation Expert Panel, ClinGen
Classification: Uncertain significance for Severe combined immunodeficiency due to DCLRE1C deficiency. Last evaluated: 2024-03-08. Review status: reviewed by expert panel. Criteria: ClinGen SCID ACMG Specifications DCLRE1C V1.0.0. Collection method: curation. Allele origin: germline. Inheritance: Autosomal recessive inheritance.
Comment: The c.632G>C (NM_001033855.3) variant in DCLRE1C is a missense variant predicted to cause the substitution of Glycine by Alanine at amino acid 211 (p.Gly211Ala). The filtering allele frequency (the upper threshold of the 95% CI) of the c.632G>C variant in DCLRE1C is 0.00001921 African/African American Genomes, which is lower than the ClinGen SCID VCEP threshold (<0.00003266) for PM2_Supporting, and therefore meets this criterion (PM2_Supporting). No homozygotes have been observed in gnomAD v4. One patient is reported in the literature (PMID: 34420125) present: *Diagnostic criteria for SCID/Leaky SCID/Omenn syndrome met 0.5pt + *SCID gene panel or exome/genome sequencing conducted 0.5pt + *T-B-NK+ lymphocyte subset profile 0.5 pt, total is 1.5pts. PP4_Supporting. This proband is compound heterozygous for mutations in DCLRE1C, with a maternally inherited pathogenic deletion in exons 1–3 (at least LP according to SCID VCEP specifications) and a paternally variant (NM 001033855.2; c.632G > C, p.Gly211Ala). 1 point, PM3 is met. In summary, this variant meets the criteria to be classified as a variant of uncertain significance for autosomal recessive severe combined immunodeficiency due to DCLRE1C deficiency based on the ACMG/AMP criteria applied, as specified by the ClinGen SCID VCEP: PM2_Supporting, PP4_Supporting, and PM3_Moderate (VCEP specifications version 1).

Labcorp Genetics (formerly Invitae), Labcorp
Classification: Uncertain significance for Athabaskan severe combined immunodeficiency. Last evaluated: 2021-08-26. Review status: criteria provided, single submitter. Criteria: Invitae Variant Classification Sherloc (09022015). Collection method: clinical testing. Allele origin: germline. Not counted in ClinVar's aggregate classification.
Comment: This sequence change replaces glycine with alanine at codon 211 of the DCLRE1C protein (p.Gly211Ala). The glycine residue is highly conserved and there is a small physicochemical difference between glycine and alanine. This variant is not present in population databases (ExAC no frequency). This missense change has been observed in individual(s) with clinical features of severe combined immunodeficiency (Invitae). In at least one individual the data is consistent with the variant being in trans (on the opposite chromosome) from a pathogenic variant. Algorithms developed to predict the effect of missense changes on protein structure and function are either unavailable or do not agree on the potential impact of this missense change (SIFT: "Tolerated"; PolyPhen-2: "Probably Damaging"; Align-GVGD: "Class C0"). In summary, the available evidence is currently insufficient to determine the role of this variant in disease. Therefore, it has been classified as a Variant of Uncertain Significance.

NM_001033855.3(DCLRE1C):c.632G>C (p.Gly211Ala)

Gene: DCLRE1C (DNA cross-link repair 1C; minus strand). Cytogenetic location: 10p13.
Variant type: single nucleotide variant.
Coding change: c.632G>C on transcript NM_001033855.3 (MANE Select); coding-DNA position 632, G replaced by C.
Protein change: p.Gly211Ala; replaces glycine 211 with alanine.
Molecular consequence: missense variant. On other transcripts: non-coding transcript variant (4).
Genome position (GRCh38, 1-based): chr10:14,934,426, C>G on the plus strand (G>C on the coding strand, the complement: DCLRE1C is on the minus strand). VCF-style: chr10-14934426-C-G. GRCh37 (hg19) VCF-style: chr10-14976425-C-G.
Other names: NM_001033855.3(DCLRE1C):c.632G>C; p.Gly211Ala; c.272G>C, p.Gly91Ala (NM_001033857.3, NM_001033858.3, NM_001289077.2 and 2 more transcripts); c.287G>C, p.Gly96Ala (NM_001289076.2, NM_001289078.2, NM_001350966.2 and 1 more transcripts); c.632G>C, p.Gly211Ala (NM_001350965.2); short protein forms G211A, G91A, G96A.
Identifiers: ClinVar variation 952576 (VCV000952576.5), dbSNP rs1056674146, ClinGen allele CA203395653.
Genomic context (GRCh38, chr10:14,934,426, plus strand): 5'-AACAGTCACCATACCTGGACTCCTAATTCTTCACTAAGGTTGGTGAACAGATATTCATAG[C>G]CATAAGCCGCTTTGCAGTTCAGCCACACAACATGGTACGGGCTCCGAGTGATCCAGCTTC-3'
Protein context (NP_001029027.1, residues 201-221): VVWLNCKAAY[Gly211Ala]YEYLFTNLSE